The following is an entry in ClinVar:

NM_000136.3(FANCC):c.592C>T (p.Pro198Ser)

Genes: AOPEP (aminopeptidase O (putative); plus strand), FANCC (FA complementation group C; minus strand). Cytogenetic location: 9q22.32.
Variant type: single nucleotide variant.
Coding change: c.592C>T on transcript NM_000136.3 (MANE Select); coding-DNA position 592, C replaced by T.
Protein change: p.Pro198Ser; replaces proline 198 with serine.
Molecular consequence: missense variant.
Genome position (GRCh38, 1-based): chr9:95,150,017, G>A on the plus strand (C>T on the coding strand, the complement: FANCC is on the minus strand). VCF-style: chr9-95150017-G-A. GRCh37 (hg19) VCF-style: chr9-97912299-G-A.
Other names: c.592C>T, p.Pro198Ser (NM_001243743.2, NM_001243744.2); short protein forms P198S.
Identifiers: ClinVar variation 1696091 (VCV001696091.3), dbSNP rs2135427761, ClinGen allele CA374109703.

ClinVar aggregate classification (germline): Uncertain significance. Review status: criteria provided, multiple submitters, no conflicts (2 of 4 stars). 2 submissions from 2 submitters: Uncertain significance (2). Last evaluated 2023-12-29.

Conditions:
Hereditary cancer-predisposing syndrome. Also called: Hereditary neoplastic syndrome; Tumor predisposition; Neoplastic Syndromes, Hereditary; Hereditary Cancer Syndrome. Identifiers: Orphanet 140162, MedGen C0027672, MeSH D009386, MONDO:0015356.

Submissions (2):

Ambry Genetics
Classification: Uncertain significance for Hereditary cancer-predisposing syndrome. Last evaluated: 2023-12-29. Review status: criteria provided, single submitter. Criteria: Ambry Variant Classification Scheme 2023. Collection method: clinical testing. Allele origin: germline.
Comment: The p.P198S variant (also known as c.592C>T), located in coding exon 6 of the FANCC gene, results from a C to T substitution at nucleotide position 592. The proline at codon 198 is replaced by serine, an amino acid with similar properties. This amino acid position is conserved. In addition, this alteration is predicted to be deleterious by in silico analysis. Since supporting evidence is limited at this time, the clinical significance of this alteration remains unclear.

Women's Health and Genetics/Laboratory Corporation of America, LabCorp
Classification: Uncertain significance. Last evaluated: 2022-05-03. Review status: criteria provided, single submitter. Criteria: LabCorp Variant Classification Summary - May 2015. Collection method: clinical testing. Allele origin: germline.